The following is an entry in ClinVar:

NM_014491.4(FOXP2):c.928C>T (p.Pro310Ser)

Gene: FOXP2 (forkhead box P2; plus strand). Cytogenetic location: 7q31.1.
Variant type: single nucleotide variant.
Coding change: c.928C>T on transcript NM_014491.4 (MANE Select); coding-DNA position 928, C replaced by T.
Protein change: p.Pro310Ser; replaces proline 310 with serine.
Molecular consequence: missense variant. On other transcripts: non-coding transcript variant (2).
Genome position (GRCh38, 1-based): chr7:114,642,562, C>T. VCF-style: chr7-114642562-C-T. GRCh37 (hg19) VCF-style: chr7-114282617-C-T.
Other names: c.925C>T, p.Pro309Ser (NM_001172766.3); c.1003C>T, p.Pro335Ser (NM_001172767.2, NM_148898.4); c.-422C>T (NM_001172777.1); c.928C>T, p.Pro310Ser (NM_148899.3); c.979C>T, p.Pro327Ser (NM_148900.4); short protein forms P309S, P310S, P327S, P335S.
Identifiers: ClinVar variation 2632258 (VCV002632258.3), dbSNP rs1227082843, ClinGen allele CA368963531.
Genomic context (GRCh38, chr7:114,642,562, plus strand): 5'-GACCTCACTACTAACAATTCCTCCTCGACTACCTCCTCCAACACTTCCAAAGCATCACCA[C>T]CAATAACTCATCATTCCATAGTGAATGGACAGTCTTCAGTTCTAAGTGCAAGACGAGACA-3'
Protein context (NP_055306.1, residues 300-320): TSSNTSKASP[Pro310Ser]ITHHSIVNGQ

ClinVar aggregate classification (germline): Uncertain significance. Review status: criteria provided, multiple submitters, no conflicts (2 of 4 stars). 3 submissions from 3 submitters: Uncertain significance (3). Last evaluated 2025-10-07.

Conditions:
Inborn genetic diseases. Identifiers: MedGen C0950123, MeSH D030342.
FOXP2-related disorder. Also called: FOXP2-related condition.

Allele frequency attached by ClinVar (database versions not stated): gnomAD exomes 0.00001; gnomAD 0.00002; TOPMed 0.00003.
gnomAD v4.1: 7 of 1,613,662 alleles (0.00043%); highest among the groups gnomAD compares: South Asian, 0.0011%; no homozygotes.

Submissions (3):

Women's Health and Genetics/Laboratory Corporation of America, LabCorp
Classification: Uncertain significance. Last evaluated: 2025-10-07. Review status: criteria provided, single submitter. Criteria: LabCorp Variant Classification Summary - May 2015. Collection method: clinical testing. Allele origin: germline.
Comment: Variant summary: FOXP2 c.928C>T (p.Pro310Ser) results in a non-conservative amino acid change in the encoded protein sequence. Algorithms developed to predict the effect of missense changes on protein structure and function are either unavailable or do not agree on the potential impact of this missense change. The variant allele was found at a frequency of 4e-06 in 251414 control chromosomes. The available data on variant occurrences in the general population are insufficient to allow any conclusion about variant significance. To our knowledge, no occurrence of c.928C>T in individuals affected with FOXP2-related conditions and no experimental evidence demonstrating its impact on protein function have been reported. ClinVar contains an entry for this variant (Variation ID: 2632258). Based on the evidence outlined above, the variant was classified as uncertain significance.

Ambry Genetics
Classification: Uncertain significance for Inborn genetic diseases. Last evaluated: 2023-12-26. Review status: criteria provided, single submitter. Criteria: Ambry Variant Classification Scheme 2023. Collection method: clinical testing. Allele origin: germline.

PreventionGenetics, part of Exact Sciences
Classification: Uncertain significance for FOXP2-related condition. Last evaluated: 2023-06-08. Review status: criteria provided, single submitter. Criteria: ACMG Guidelines, 2015. Collection method: clinical testing. Allele origin: germline.
Comment: The FOXP2 c.928C>T variant is predicted to result in the amino acid substitution p.Pro310Ser. To our knowledge, this variant has not been reported in the literature. This variant is reported in 0.00088% of alleles in individuals of European (Non-Finnish) descent in gnomAD. At this time, the clinical significance of this variant is uncertain due to the absence of conclusive functional and genetic evidence.